The following is an entry in ClinVar:

NM_019066.5(MAGEL2):c.3728C>T (p.Thr1243Ile)

Gene: MAGEL2 (MAGE family member L2; minus strand). Cytogenetic location: 15q11.2.
Variant type: single nucleotide variant.
Coding change: c.3728C>T on transcript NM_019066.5 (MANE Select); coding-DNA position 3728, C replaced by T.
Protein change: p.Thr1243Ile; replaces threonine 1243 with isoleucine.
Molecular consequence: missense variant.
Genome position (GRCh38, 1-based): chr15:23,644,015, G>A on the plus strand (C>T on the coding strand, the complement: MAGEL2 is on the minus strand). VCF-style: chr15-23644015-G-A. GRCh37 (hg19) VCF-style: chr15-23889162-G-A.
Other names: short protein forms T1243I.
Identifiers: ClinVar variation 2805279 (VCV002805279.3), dbSNP rs1890336320, ClinGen allele CA391320767.

ClinVar aggregate classification (germline): Uncertain significance (1 of 4 stars; one submission).

Submission:

Labcorp Genetics (formerly Invitae), Labcorp
Classification: Uncertain significance. Last evaluated: 2022-12-05. Review status: criteria provided, single submitter. Criteria: Invitae Variant Classification Sherloc (09022015). Collection method: clinical testing. Allele origin: germline.
Comment: Advanced modeling of protein sequence and biophysical properties (such as structural, functional, and spatial information, amino acid conservation, physicochemical variation, residue mobility, and thermodynamic stability) performed at Invitae indicates that this missense variant is not expected to disrupt MAGEL2 protein function. In summary, the available evidence is currently insufficient to determine the role of this variant in disease. Therefore, it has been classified as a Variant of Uncertain Significance. This variant has not been reported in the literature in individuals affected with MAGEL2-related conditions. This sequence change replaces threonine, which is neutral and polar, with isoleucine, which is neutral and non-polar, at codon 1243 of the MAGEL2 protein (p.Thr1243Ile). This variant is not present in population databases (gnomAD no frequency).